The following is an entry in ClinVar:

ClinVar aggregate classification (germline): Uncertain significance (1 of 4 stars; one submission).

Allele frequency attached by ClinVar (database versions not stated): gnomAD exomes below 0.00001; ExAC 0.00001; gnomAD 0.00001.
gnomAD v4.1: 3 of 1,602,594 alleles (0.00019%); highest among the groups gnomAD compares: Non-Finnish European, 0.000085%; no homozygotes.

Submission:

Labcorp Genetics (formerly Invitae), Labcorp
Classification: Uncertain significance. Last evaluated: 2022-06-27. Review status: criteria provided, single submitter. Criteria: Invitae Variant Classification Sherloc (09022015). Collection method: clinical testing. Allele origin: germline.
Comment: This sequence change replaces serine, which is neutral and polar, with phenylalanine, which is neutral and non-polar, at codon 15 of the SCO2 protein (p.Ser15Phe). This variant is present in population databases (rs759793876, gnomAD 0.01%). In summary, the available evidence is currently insufficient to determine the role of this variant in disease. Therefore, it has been classified as a Variant of Uncertain Significance. Algorithms developed to predict the effect of missense changes on protein structure and function output the following: SIFT: "Tolerated"; PolyPhen-2: "Benign"; Align-GVGD: "Class C0". The phenylalanine amino acid residue is found in multiple mammalian species, which suggests that this missense change does not adversely affect protein function. This variant has not been reported in the literature in individuals affected with SCO2-related conditions.

NM_005138.3(SCO2):c.44C>T (p.Ser15Phe)

Genes: NCAPH2 (non-SMC condensin II complex subunit H2; plus strand), SCO2 (synthesis of cytochrome C oxidase 2; minus strand). Cytogenetic location: 22q13.33.
Variant type: single nucleotide variant.
Coding change: c.44C>T on transcript NM_005138.3 (MANE Select); coding-DNA position 44, C replaced by T.
Protein change: p.Ser15Phe; replaces serine 15 with phenylalanine.
Molecular consequence: missense variant. On other transcripts: 3 prime UTR variant (2).
Genome position (GRCh38, 1-based): chr22:50,524,368, G>A on the plus strand (C>T on the coding strand, the complement: SCO2 is on the minus strand). VCF-style: chr22-50524368-G-A. GRCh37 (hg19) VCF-style: chr22-50962797-G-A.
Other names: c.*993G>A (NM_001185011.2, NM_152299.4); c.44C>T, p.Ser15Phe (NM_001169109.2, NM_001169110.1, NM_001169111.2); short protein forms S15F.
Identifiers: ClinVar variation 1368443 (VCV001368443.6), dbSNP rs759793876, ClinGen allele CA10321310.